The following is an entry in ClinVar:

NM_020320.5(RARS2):c.160_161del (p.Asp53_Asn54insTer)

Gene: RARS2 (arginyl-tRNA synthetase 2, mitochondrial; minus strand). Cytogenetic location: 6q15.
Variant type: Deletion.
Coding change: c.160_161del on transcript NM_020320.5 (MANE Select); coding-DNA positions 160 to 161, 2 bases deleted (AA; older notation c.160_161delAA).
Protein change: p.Asp53_Asn54insTer.
Molecular consequence: nonsense. On other transcripts: 5 prime UTR variant (7), non-coding transcript variant (23).
Genome position (GRCh38, 1-based): chr6:87,564,182-87,564,183, TT deleted on the plus strand (AA on the coding strand, the reverse complement: RARS2 is on the minus strand). VCF-style (leftmost placement, unchanged base first): chr6-87564181-ATT-A. GRCh37 (hg19) VCF-style: chr6-88273899-ATT-A.
Other names: c.160_161delAA (NM_020320.3, NM_020320.5, NM_020320.4); c.-310_-309del (NM_001318785.2, NM_001350509.2); c.160_161del, p.Asp53_Asn54insTer (NM_001350505.2); c.-366_-365del (NM_001350506.2, NM_001350507.2, NM_001350510.2 and 1 more transcripts); c.-528_-527del (NM_001350508.2).
Identifiers: ClinVar variation 950760 (VCV000950760.15), dbSNP rs756101515, ClinGen allele CA3916738.
Genomic context (GRCh38, chr6:87,564,181, plus strand): 5'-CTAACGTACCTTCTCTGCTAGTCTCTTGGCTTGAACTTGAATATCTGGTCTTGAATGGTC[ATT>A]GTCTTTTTCCAATAAAGAATCCACAGAAAGCTGAAAATCAGCTACTTCTCTAAAGACAGA-3'

ClinVar aggregate classification (germline): Pathogenic/Likely pathogenic. Review status: criteria provided, multiple submitters, no conflicts (2 of 4 stars). 5 submissions from 5 submitters: Pathogenic (3); Likely pathogenic (2). Last evaluated 2025-10-26.

Conditions:
Pontocerebellar hypoplasia type 6 (PCH6). Identifiers: Orphanet 166073, MedGen C1969084, MONDO:0012683, OMIM 611523.
Pontoneocerebellar hypoplasia. Also called: Pontocerebellar hypoplasia; Non-syndromic pontocerebellar hypoplasia. Identifiers: Orphanet 98523, MedGen C1261175, MONDO:0020135.

Allele frequency attached by ClinVar (database versions not stated): gnomAD exomes below 0.00001; ExAC 0.00001; gnomAD 0.00002; TOPMed 0.00003; ESP Exome Variant Server 0.00008.

Submissions (5):

Natera, Inc.
Classification: Likely pathogenic for Pontocerebellar hypoplasia, type 6. Last evaluated: 2025-10-26. Review status: criteria provided, single submitter. Criteria: Natera Variant Classification Schema (03/2026). Collection method: clinical testing. Allele origin: germline.
Comment: The c.160_161delAA variant in RARS2 is a frameshift variant predicted to shift the reading frame and introduce a stop codon. This variant may result in a truncated or dysfunctional protein product. This variant is rare in the general population with a frequency below the threshold expected for the associated phenotype(s). Given the available evidence, this variant is classified as Likely Pathogenic.

Women's Health and Genetics/Laboratory Corporation of America, LabCorp
Classification: Pathogenic for Pontoneocerebellar hypoplasia. Last evaluated: 2024-11-11. Review status: criteria provided, single submitter. Criteria: LabCorp Variant Classification Summary - May 2015. Collection method: clinical testing. Allele origin: germline.
Comment: Variant summary: RARS2 c.160_161delAA (p.Asn54X) results in a premature termination codon, predicted to cause absence of the protein due to nonsense mediated decay, which is a commonly known mechanism for disease. The variant allele was found at a frequency of 4e-06 in 251280 control chromosomes. c.160_161delAA has not been reported in the literature in individuals affected with Pontocerebellar Hypoplasia, Type 6. To our knowledge, no experimental evidence demonstrating an impact on protein function has been reported. ClinVar contains an entry for this variant (Variation ID: 950760). Based on the evidence outlined above, the variant was classified as pathogenic.

Baylor Genetics
Classification: Likely pathogenic for Pontocerebellar hypoplasia type 6. Last evaluated: 2024-03-09. Review status: criteria provided, single submitter. Criteria: ACMG Guidelines, 2015. Collection method: clinical testing. Allele origin: unknown.

Labcorp Genetics (formerly Invitae), Labcorp
Classification: Pathogenic. Last evaluated: 2023-12-14. Review status: criteria provided, single submitter. Criteria: Invitae Variant Classification Sherloc (09022015). Collection method: clinical testing. Allele origin: germline.
Comment: This sequence change creates a premature translational stop signal (p.Asn54*) in the RARS2 gene. It is expected to result in an absent or disrupted protein product. Loss-of-function variants in RARS2 are known to be pathogenic (PMID: 17847012, 22569581, 26083569). This variant is present in population databases (rs756101515, gnomAD 0.007%). This variant has not been reported in the literature in individuals affected with RARS2-related conditions. ClinVar contains an entry for this variant (Variation ID: 950760). For these reasons, this variant has been classified as Pathogenic.

GeneDx
Classification: Pathogenic. Last evaluated: 2022-09-13. Review status: criteria provided, single submitter. Criteria: GeneDx Variant Classification Process June 2021. Collection method: clinical testing. Allele origin: germline. Affected: yes.
Comment: Nonsense variant predicted to result in protein truncation or nonsense mediated decay in a gene for which loss-of-function is a known mechanism of disease; Not observed at a significant frequency in large population cohorts (gnomAD); Has not been previously published as pathogenic or benign to our knowledge; This variant is associated with the following publications: (PMID: 22569581, 17847012, 26083569)

Literature cited by the submitters: PubMed 17847012 (cited by Labcorp Genetics (formerly Invitae), Labcorp); PubMed 22569581 (cited by Labcorp Genetics (formerly Invitae), Labcorp); PubMed 26083569 (cited by Labcorp Genetics (formerly Invitae), Labcorp).